The following is an entry in ClinVar:

ClinVar aggregate classification (germline): Uncertain significance (1 of 4 stars; one submission).

gnomAD v4.1: 41 of 1,614,018 alleles (0.0025%); highest among the groups gnomAD compares: Non-Finnish European, 0.0034%; no homozygotes.

Submission:

GeneDx
Classification: Uncertain significance. Last evaluated: 2022-11-16. Review status: criteria provided, single submitter. Criteria: GeneDx Variant Classification Process June 2021. Collection method: clinical testing. Allele origin: germline. Affected: yes.
Comment: In silico analysis supports that this missense variant has a deleterious effect on protein structure/function; Has not been previously published as pathogenic or benign to our knowledge; Variants in candidate genes are classified as variants of uncertain significance in accordance with ACMG guidelines (Richards et al., 2015)

NM_152753.4(SCUBE3):c.2859T>G (p.Phe953Leu)

Gene: SCUBE3 (signal peptide, CUB domain and EGF like domain containing 3; plus strand). Cytogenetic location: 6p21.31.
Variant type: single nucleotide variant.
Coding change: c.2859T>G on transcript NM_152753.4 (MANE Select); coding-DNA position 2859, T replaced by G.
Protein change: p.Phe953Leu; replaces phenylalanine 953 with leucine.
Molecular consequence: missense variant.
Genome position (GRCh38, 1-based): chr6:35,248,582, T>G. VCF-style: chr6-35248582-T-G. GRCh37 (hg19) VCF-style: chr6-35216359-T-G.
Other names: c.2856T>G, p.Phe952Leu (NM_001303136.2); short protein forms F952L, F953L.
Identifiers: ClinVar variation 3342702 (VCV003342702.1).